The following is an entry in ClinVar:

NM_000127.3(EXT1):c.2104C>T (p.Gln702Ter)

Gene: EXT1 (exostosin glycosyltransferase 1; minus strand). Cytogenetic location: 8q24.11.
Variant type: single nucleotide variant.
Coding change: c.2104C>T on transcript NM_000127.3 (MANE Select); coding-DNA position 2104, C replaced by T.
Protein change: p.Gln702Ter; replaces glutamine 702 with a stop codon.
Molecular consequence: nonsense.
Genome position (GRCh38, 1-based): chr8:117,799,849, G>A on the plus strand (C>T on the coding strand, the complement: EXT1 is on the minus strand). VCF-style: chr8-117799849-G-A. GRCh37 (hg19) VCF-style: chr8-118812088-G-A.
Other names: short protein forms Q702*.
Identifiers: ClinVar variation 526307 (VCV000526307.10), dbSNP rs1554656266, ClinGen allele CA371890173.

ClinVar aggregate classification (germline): Pathogenic (1 of 4 stars; one submission).

Conditions:
Multiple congenital exostosis (EXT). Also called: Multiple exostoses; Hereditary multiple exostoses; Hereditary multiple exostosis; MULTIPLE CARTILAGINOUS EXOSTOSES; Hereditary multiple osteochondromas; Multiple osteochondromas. Identifiers: Orphanet 321, MedGen C0015306, MONDO:0005508, HP:0002762.

Submission:

Labcorp Genetics (formerly Invitae), Labcorp
Classification: Pathogenic for Multiple congenital exostosis. Last evaluated: 2019-10-03. Review status: criteria provided, single submitter. Criteria: Invitae Variant Classification Sherloc (09022015). Collection method: clinical testing. Allele origin: germline.
Comment: This sequence change results in a premature translational stop signal in the EXT1 gene (p.Gln702*). While this is not anticipated to result in nonsense mediated decay, it is expected to delete the last 45 amino acids of the EXT1 protein. This variant is not present in population databases (ExAC no frequency). This variant has been reported in individuals affected with multiple osteochondromas (PMID: 19810120, Invitae). This variant disrupts the C-terminus of the EXT1 protein. Other variant(s) that disrupt this region (p.Trp711*) have been determined to be pathogenic (PMID: 29620724, Invitae). This suggests that variants that disrupt this region of the protein are likely to be causative of disease. For these reasons, this variant has been classified as Pathogenic.

Literature cited by the submitters: PubMed 19810120; PubMed 29620724.